The following is an entry in ClinVar:

NM_005026.5(PIK3CD):c.1429G>A (p.Glu477Lys)

Genes: PIK3CD (phosphatidylinositol-4,5-bisphosphate 3-kinase catalytic subunit delta; plus strand), LOC126805612 (MED14-independent group 3 enhancer GRCh37_chr1:9778914-9780113; plus strand). Cytogenetic location: 1p36.22.
Variant type: single nucleotide variant.
Coding change: c.1429G>A on transcript NM_005026.5 (MANE Select); coding-DNA position 1429, G replaced by A.
Protein change: p.Glu477Lys; replaces glutamic acid 477 with lysine.
Molecular consequence: missense variant.
Genome position (GRCh38, 1-based): chr1:9,720,201, G>A. VCF-style: chr1-9720201-G-A. GRCh37 (hg19) VCF-style: chr1-9780259-G-A.
Other names: NC_000001.10:g.9780259G>A; c.1429G>A, p.Glu477Lys (NM_001350234.2, NM_001437546.1, NM_001437547.1 and 2 more transcripts); c.1342G>A, p.Glu448Lys (NM_001350235.1); short protein forms E448K, E477K.
Identifiers: ClinVar variation 4491428 (VCV004491428.3).

ClinVar aggregate classification (germline): Uncertain significance (1 of 4 stars; one submission).

Submissions (2):

Dasa
Classification: Uncertain significance. Last evaluated: 2025-03-11. Review status: criteria provided, single submitter. Criteria: DASA Assertion Criteria. Collection method: clinical testing. Allele origin: germline.
Comment: NM_005026.5(PIK3CD):c.1429G>A (p.Glu477Lys) is a missense variant that results in the substitution of glutamic acid with lysine. This variant is rare in population databases. Computational prediction algorithms are consistent with a benign effect. The currently available literature and clinical evidence are not sufficient to establish a definitive association between this variant and the reported condition. Therefore, this variant is classified as a variant of uncertain significance.

Dr. Peter K. Rogan Lab, Western University
No classification provided (evidence only). Condition: Melanoma. Review status: no classification provided. Collection method: in vitro. Allele origin: not applicable. Functional consequence: skipped exon. Not counted in ClinVar's aggregate classification.